The following is an entry in ClinVar:

NM_032638.5(GATA2):c.688C>T (p.Arg230Cys)

Gene: GATA2 (GATA binding protein 2; minus strand). Cytogenetic location: 3q21.3.
Variant type: single nucleotide variant.
Coding change: c.688C>T on transcript NM_032638.5 (MANE Select); coding-DNA position 688, C replaced by T.
Protein change: p.Arg230Cys; replaces arginine 230 with cysteine.
Molecular consequence: missense variant.
Genome position (GRCh38, 1-based): chr3:128,485,910, G>A on the plus strand (C>T on the coding strand, the complement: GATA2 is on the minus strand). VCF-style: chr3-128485910-G-A. GRCh37 (hg19) VCF-style: chr3-128204753-G-A.
Other names: c.688C>T, p.Arg230Cys (NM_001145661.2, NM_001145662.1); short protein forms R230C.
Identifiers: ClinVar variation 665294 (VCV000665294.5), dbSNP rs769473824, ClinGen allele CA2599977.

ClinVar aggregate classification (germline): Uncertain significance. Review status: criteria provided, multiple submitters, no conflicts (2 of 4 stars). 2 submissions from 2 submitters: Uncertain significance (2). Last evaluated 2025-11-04.

Conditions:
Inborn genetic diseases. Identifiers: MedGen C0950123, MeSH D030342.
Monocytopenia with susceptibility to infections. Also called: MONOCYTOPENIA WITH SUSCEPTIBILITY TO MYCOBACTERIAL, FUNGAL, AND PAPILLOMAVIRUS INFECTIONS AND MYELODYSPLASIA; COMBINED IMMUNODEFICIENCY WITH SUSCEPTIBILITY TO MYCOBACTERIAL, VIRAL, AND FUNGAL INFECTIONS; IMMUNODEFICIENCY 21; MONOCYTOPENIA AND MYCOBACTERIAL INFECTION SYNDROME; GATA2 DEFICIENCY; Dendritic cell, monocyte, B lymphocyte, and natural killer lymphocyte deficiency. Identifiers: Orphanet 228423, MedGen C3280030, MONDO:0013607, OMIM 614172.
Deafness-lymphedema-leukemia syndrome. Also called: Emberger syndrome; Lymphedema, primary, with myelodysplasia. Identifiers: Orphanet 3226, MedGen C3279664, MONDO:0013540, OMIM 614038.

Allele frequency attached by ClinVar (database versions not stated): ExAC 0.00002.

Submissions (2):

Ambry Genetics
Classification: Uncertain significance for Inborn genetic diseases. Last evaluated: 2025-11-04. Review status: criteria provided, single submitter. Criteria: Ambry Variant Classification Scheme 2023. Collection method: clinical testing. Allele origin: germline.
Comment: The p.R230C variant (also known as c.688C>T), located in coding exon 2 of the GATA2 gene, results from a C to T substitution at nucleotide position 688. The arginine at codon 230 is replaced by cysteine, an amino acid with highly dissimilar properties. This amino acid position is well conserved in available vertebrate species. In addition, this alteration is predicted to be deleterious by in silico analysis. Based on the available evidence, the clinical significance of this variant remains unclear.

Labcorp Genetics (formerly Invitae), Labcorp
Classification: Uncertain significance for Monocytopenia with susceptibility to infections; Deafness-lymphedema-leukemia syndrome. Last evaluated: 2021-09-01. Review status: criteria provided, single submitter. Criteria: Invitae Variant Classification Sherloc (09022015). Collection method: clinical testing. Allele origin: germline.